The following is an entry in ClinVar:

ClinVar aggregate classification (germline): Likely benign (1 of 4 stars; one submission).

Allele frequency attached by ClinVar (database versions not stated): TOPMed 0.00251; 1000 Genomes Project 0.00280; 1000 Genomes Project 30x 0.00297; ESP Exome Variant Server 0.00315; gnomAD 0.00465; gnomAD exomes 0.00512; ExAC 0.00530.
gnomAD v4.1: 8,114 of 1,614,188 alleles (0.5%); highest among the groups gnomAD compares: Non-Finnish European, 0.5%; 51 homozygotes.

Submission:

CeGaT Center for Human Genetics Tuebingen
Classification: Likely benign. Last evaluated: 2022-12-01. Review status: criteria provided, single submitter. Criteria: CeGaT Center For Human Genetics Tuebingen Variant Classification Criteria Version 2. Collection method: clinical testing. Allele origin: germline. Affected: yes. Observed: 1 variant allele.
Comment: SDAD1: BP4, BS2

NM_018115.4(SDAD1):c.1604T>C (p.Met535Thr)

Gene: SDAD1 (SDA1 domain containing 1; minus strand). Cytogenetic location: 4q21.1.
Variant type: single nucleotide variant.
Coding change: c.1604T>C on transcript NM_018115.4 (MANE Select); coding-DNA position 1604, T replaced by C.
Protein change: p.Met535Thr; replaces methionine 535 with threonine.
Molecular consequence: missense variant.
Genome position (GRCh38, 1-based): chr4:75,957,683, A>G on the plus strand (T>C on the coding strand, the complement: SDAD1 is on the minus strand). VCF-style: chr4-75957683-A-G. GRCh37 (hg19) VCF-style: chr4-76878836-A-G.
Other names: c.1493T>C, p.Met498Thr (NM_001288983.2); c.1313T>C, p.Met438Thr (NM_001288984.2); short protein forms M438T, M498T, M535T.
Identifiers: ClinVar variation 2654828 (VCV002654828.24), dbSNP rs114534142, ClinGen allele CA2968139.